The following is an entry in ClinVar:

NM_000218.3(KCNQ1):c.1514+30869G>A

Genes: KCNQ1 (potassium voltage-gated channel subfamily Q member 1; plus strand), KCNQ1OT1 (KCNQ1 opposite strand/antisense transcript 1; minus strand). Cytogenetic location: 11p15.5.
Variant type: single nucleotide variant.
Coding change: c.1514+30869G>A on transcript NM_000218.3 (MANE Select); 30869 bases into the intron after coding-DNA position 1514, G replaced by A.
Molecular consequence: intron variant.
Genome position (GRCh38, 1-based): chr11:2,692,950, G>A. VCF-style: chr11-2692950-G-A. GRCh37 (hg19) VCF-style: chr11-2714180-G-A.
Other names: c.1244+30869G>A (NM_001406837.1); c.1418+30869G>A (NM_001406836.1); c.974+30869G>A (NM_001406838.1); c.1133+30869G>A (NM_181798.2).
Identifiers: ClinVar variation 1694627 (VCV001694627.31), dbSNP rs368082693, ClinGen allele CA216193912.

ClinVar aggregate classification (germline): Likely benign (1 of 4 stars; one submission).

Allele frequency attached by ClinVar (database versions not stated): gnomAD exomes 0.00037.
gnomAD v4.1: 155 of 398,632 alleles (0.039%); highest among the groups gnomAD compares: Middle Eastern, 0.57%; 1 homozygote.

Submission:

CeGaT Center for Human Genetics Tuebingen
Classification: Likely benign. Last evaluated: 2026-06-01. Review status: criteria provided, single submitter. Criteria: CeGaT Center For Human Genetics Tuebingen Variant Classification Criteria Version 2. Collection method: clinical testing. Allele origin: germline. Affected: yes. Observed: 13 variant alleles.
Comment: KCNQ1OT1: BS1